The following is an entry in ClinVar:

ClinVar aggregate classification (germline): Uncertain significance. Review status: criteria provided, multiple submitters, no conflicts (2 of 4 stars). 4 submissions from 4 submitters: Uncertain significance (4). Last evaluated 2026-02-17.

Conditions:
ALDOA-related disorder. Also called: ALDOA-related condition.
HNSHA due to aldolase A deficiency (GSD12). Also called: GSD XII; Glycogen storage disease due to aldolase A deficiency; GLYCOGEN STORAGE DISEASE XII; RED CELL ALDOLASE DEFICIENCY. Identifiers: Orphanet 57, MedGen C0272066, MONDO:0012747, OMIM 611881.

Allele frequency attached by ClinVar (database versions not stated): ExAC 0.00009; gnomAD exomes 0.00010 and 0.00013; ESP Exome Variant Server 0.00015; gnomAD 0.00015 and 0.00025.
gnomAD v4.1: 224 of 1,614,114 alleles (0.014%); highest among the groups gnomAD compares: Non-Finnish European, 0.017%; 2 homozygotes.

Submissions (4):

PreventionGenetics, part of Exact Sciences
Classification: Uncertain significance for ALDOA-related condition. Last evaluated: 2026-02-17. Review status: criteria provided, single submitter. Criteria: ACMG Guidelines, 2015. Collection method: clinical testing. Allele origin: germline.
Comment: The ALDOA c.517C>T variant is predicted to result in the amino acid substitution p.Arg173Cys. To our knowledge, this variant has not been reported in the literature. This variant is reported in 0.022% of alleles in individuals of European (Non-Finnish) descent in gnomAD. At this time, the clinical significance of this variant is uncertain due to the absence of conclusive functional and genetic evidence.

Mayo Clinic Laboratories, Mayo Clinic
Classification: Uncertain significance. Last evaluated: 2025-11-26. Review status: criteria provided, single submitter. Criteria: ACMG Guidelines, 2015. Collection method: clinical testing. Allele origin: germline. Observed: 5 variant alleles.
Comment: PP3_moderate

Revvity Omics, Revvity
Classification: Uncertain significance for HNSHA due to aldolase A deficiency. Last evaluated: 2024-06-24. Review status: criteria provided, single submitter. Criteria: ACMG Guidelines, 2015. Collection method: clinical testing. Allele origin: germline.

Labcorp Genetics (formerly Invitae), Labcorp
Classification: Uncertain significance for HNSHA due to aldolase A deficiency. Last evaluated: 2022-07-25. Review status: criteria provided, single submitter. Criteria: Invitae Variant Classification Sherloc (09022015). Collection method: clinical testing. Allele origin: germline.
Comment: This sequence change replaces arginine, which is basic and polar, with cysteine, which is neutral and slightly polar, at codon 173 of the ALDOA protein (p.Arg173Cys). This variant is present in population databases (rs374042346, gnomAD 0.02%), including at least one homozygous and/or hemizygous individual. This variant has not been reported in the literature in individuals affected with ALDOA-related conditions. ClinVar contains an entry for this variant (Variation ID: 1163978). Algorithms developed to predict the effect of missense changes on protein structure and function are either unavailable or do not agree on the potential impact of this missense change (SIFT: "Tolerated"; PolyPhen-2: "Possibly Damaging"; Align-GVGD: "Class C0"). In summary, the available evidence is currently insufficient to determine the role of this variant in disease. Therefore, it has been classified as a Variant of Uncertain Significance.

NM_001243177.4(ALDOA):c.679C>T (p.Arg227Cys)

Genes: ALDOA (aldolase, fructose-bisphosphate A; plus strand), LOC112694756 (uncharaterized LOC112694756; plus strand). Cytogenetic location: 16p11.2.
Variant type: single nucleotide variant.
Coding change: c.679C>T on transcript NM_001243177.4 (MANE Select); coding-DNA position 679, C replaced by T.
Protein change: p.Arg227Cys; replaces arginine 227 with cysteine.
Molecular consequence: missense variant. On other transcripts: 3 prime UTR variant (3).
Genome position (GRCh38, 1-based): chr16:30,068,955, C>T. VCF-style: chr16-30068955-C-T. GRCh37 (hg19) VCF-style: chr16-30080276-C-T.
Other names: NM_000034.3:c.517C>T; c.*1026C>T (NM_001365304.2, NM_001365305.2, NM_001365307.2); c.517C>T, p.Arg173Cys (NM_001127617.2, NM_184041.5, NM_184043.2); short protein forms R173C, R227C.
Identifiers: ClinVar variation 1163978 (VCV001163978.12), dbSNP rs374042346, ClinGen allele CA8001015.